The following is an entry in ClinVar:

ClinVar aggregate classification (germline): Uncertain significance (1 of 4 stars; one submission).

Conditions:
Congenital glucose-galactose malabsorption (GGM). Also called: MONOSACCHARIDE MALABSORPTION; DIARRHEA 16. Identifiers: Orphanet 35710, MedGen C0268186, MONDO:0011731, OMIM 606824.

Submission:

Labcorp Genetics (formerly Invitae), Labcorp
Classification: Uncertain significance for Congenital glucose-galactose malabsorption. Last evaluated: 2022-06-17. Review status: criteria provided, single submitter. Criteria: Invitae Variant Classification Sherloc (09022015). Collection method: clinical testing. Allele origin: germline.
Comment: This variant has not been reported in the literature in individuals affected with SLC5A1-related conditions. In summary, the available evidence is currently insufficient to determine the role of this variant in disease. Therefore, it has been classified as a Variant of Uncertain Significance. Algorithms developed to predict the effect of missense changes on protein structure and function are either unavailable or do not agree on the potential impact of this missense change (SIFT: "Deleterious"; PolyPhen-2: "Benign"; Align-GVGD: "Class C0"). This variant is not present in population databases (gnomAD no frequency). This sequence change replaces glutamic acid, which is acidic and polar, with lysine, which is basic and polar, at codon 582 of the SLC5A1 protein (p.Glu582Lys).

NM_000343.4(SLC5A1):c.1744G>A (p.Glu582Lys)

Gene: SLC5A1 (solute carrier family 5 member 1; plus strand). Cytogenetic location: 22q12.3.
Variant type: single nucleotide variant.
Coding change: c.1744G>A on transcript NM_000343.4 (MANE Select); coding-DNA position 1744, G replaced by A.
Protein change: p.Glu582Lys; replaces glutamic acid 582 with lysine.
Molecular consequence: missense variant.
Genome position (GRCh38, 1-based): chr22:32,104,864, G>A. VCF-style: chr22-32104864-G-A. GRCh37 (hg19) VCF-style: chr22-32500851-G-A.
Other names: c.1363G>A, p.Glu455Lys (NM_001256314.2); short protein forms E455K, E582K.
Identifiers: ClinVar variation 2007718 (VCV002007718.4), dbSNP rs2517677392, ClinGen allele CA411314824.